The following is an entry in ClinVar:

ClinVar aggregate classification (germline): Uncertain significance (1 of 4 stars; one submission).

Submission:

Labcorp Genetics (formerly Invitae), Labcorp
Classification: Uncertain significance. Last evaluated: 2023-10-24. Review status: criteria provided, single submitter. Criteria: Invitae Variant Classification Sherloc (09022015). Collection method: clinical testing. Allele origin: unknown.
Comment: A copy number gain of the genomic region encompassing the full coding sequence of the AUTS2 gene has been identified. The boundaries of this event are unknown as they extend beyond the assayed region for this gene and therefore may encompass additional genes. As the precise location of this event is unknown, it may be in tandem or it may be located elsewhere in the genome. A similar copy number variant has been observed in individual(s) with autism spectrum disorder (PMID: 31602316). In summary, the available evidence is currently insufficient to determine the role of this variant in disease. Therefore, it has been classified as a Variant of Uncertain Significance.

Literature cited by the submitters: PubMed 31602316.

NC_000007.13:g.(?_69064640)_(70255982_?)dup

Gene: AUTS2 (activator of transcription and developmental regulator AUTS2; plus strand). Cytogenetic location: 7q11.22.
Variant type: Duplication.
Identifiers: ClinVar variation 3245915 (VCV003245915.1).